The following is an entry in ClinVar:

NM_016441.3(CRIM1):c.2958A>C (p.Leu986=)

Gene: CRIM1 (cysteine rich transmembrane BMP regulator 1). Cytogenetic location: 2p22.2.
Variant type: single nucleotide variant.
Coding change: c.2958A>C on transcript NM_016441.3 (MANE Select); coding-DNA position 2958, A replaced by C.
Protein change: p.Leu986=; no amino-acid change (leucine 986 retained).
Molecular consequence: synonymous variant.
Genome position (GRCh38, 1-based): chr2:36,548,548, A>C. VCF-style: chr2-36548548-A-C. GRCh37 (hg19) VCF-style: chr2-36775691-A-C.
Identifiers: ClinVar variation 3053680 (VCV003053680.3), dbSNP rs867530130, ClinGen allele CA45380041.

ClinVar aggregate classification (germline): Likely benign. Review status: criteria provided, single submitter (1 of 4 stars). 2 submissions from 2 submitters: Likely benign (1). 1 of the submissions does not count toward it. Last evaluated 2023-04-03.

Conditions:
CRIM1-related disorder. Also called: CRIM1-related condition.

Allele frequency attached by ClinVar (database versions not stated): TOPMed below 0.00001; gnomAD 0.00001.
gnomAD v4.1: 15 of 1,584,916 alleles (0.00095%); highest among the groups gnomAD compares: Middle Eastern, 0.034%; no homozygotes.

Submissions (2):

Blueprint Genetics
Classification: Likely benign. Last evaluated: 2023-04-03. Review status: criteria provided, single submitter. Criteria: ACMG Guidelines, 2015. Collection method: clinical testing. Allele origin: germline.

PreventionGenetics, part of Exact Sciences
Classification: Likely benign for CRIM1-related condition. Last evaluated: 2020-02-26. Review status: no assertion criteria provided. Collection method: clinical testing. Allele origin: germline. Not counted in ClinVar's aggregate classification.
Comment: This variant is classified as likely benign based on ACMG/AMP sequence variant interpretation guidelines (Richards et al. 2015 PMID: 25741868, with internal and published modifications).